The following is an entry in ClinVar:

NM_005862.3(STAG1):c.2021A>G (p.Glu674Gly)

Gene: STAG1 (STAG1 cohesin complex component; minus strand). Cytogenetic location: 3q22.3.
Variant type: single nucleotide variant.
Coding change: c.2021A>G on transcript NM_005862.3 (MANE Select); coding-DNA position 2021, A replaced by G.
Protein change: p.Glu674Gly; replaces glutamic acid 674 with glycine.
Molecular consequence: missense variant.
Genome position (GRCh38, 1-based): chr3:136,422,426, T>C on the plus strand (A>G on the coding strand, the complement: STAG1 is on the minus strand). VCF-style: chr3-136422426-T-C. GRCh37 (hg19) VCF-style: chr3-136141268-T-C.
Other names: short protein forms E674G.
Identifiers: ClinVar variation 4769148 (VCV004769148.1).

ClinVar aggregate classification (germline): Uncertain significance (1 of 4 stars; one submission).

Submission:

Labcorp Genetics (formerly Invitae), Labcorp
Classification: Uncertain significance. Last evaluated: 2025-03-11. Review status: criteria provided, single submitter. Criteria: Invitae Variant Classification Sherloc (09022015). Collection method: clinical testing. Allele origin: germline.
Comment: This sequence change replaces glutamic acid, which is acidic and polar, with glycine, which is neutral and non-polar, at codon 674 of the STAG1 protein (p.Glu674Gly). This variant is not present in population databases (gnomAD no frequency). This variant has not been reported in the literature in individuals affected with STAG1-related conditions. Invitae Evidence Modeling of protein sequence and biophysical properties (such as structural, functional, and spatial information, amino acid conservation, physicochemical variation, residue mobility, and thermodynamic stability) indicates that this missense variant is not expected to disrupt STAG1 protein function with a negative predictive value of 80%. In summary, the available evidence is currently insufficient to determine the role of this variant in disease. Therefore, it has been classified as a Variant of Uncertain Significance.